The following is an entry in ClinVar:

ClinVar aggregate classification (germline): Uncertain significance. Review status: criteria provided, multiple submitters, no conflicts (2 of 4 stars). 2 submissions from 2 submitters: Uncertain significance (2). Last evaluated 2024-10-14.

Conditions:
Hereditary cancer-predisposing syndrome. Also called: Tumor predisposition; Hereditary neoplastic syndrome; Neoplastic Syndromes, Hereditary; Hereditary Cancer Syndrome. Identifiers: Orphanet 140162, MedGen C0027672, MeSH D009386, MONDO:0015356.
Fanconi anemia (FA). Also called: Fanconi's anemia. Identifiers: Orphanet 84, MedGen C0015625, MeSH D005199, MONDO:0019391.

gnomAD v4.1: 4 of 1,613,870 alleles (0.00025%); highest among the groups gnomAD compares: South Asian, 0.0044%; no homozygotes.

Submissions (2):

Ambry Genetics
Classification: Uncertain significance for Hereditary cancer-predisposing syndrome. Last evaluated: 2024-10-14. Review status: criteria provided, single submitter. Criteria: Ambry Variant Classification Scheme 2023. Collection method: clinical testing. Allele origin: germline.
Comment: The p.L337V variant (also known as c.1009C>G), located in coding exon 10 of the FANCC gene, results from a C to G substitution at nucleotide position 1009. The leucine at codon 337 is replaced by valine, an amino acid with highly similar properties. This amino acid position is conserved. In addition, this alteration is predicted to be tolerated by in silico analysis. Based on the available evidence, the clinical significance of this variant remains unclear.

Labcorp Genetics (formerly Invitae), Labcorp
Classification: Uncertain significance for Fanconi anemia. Last evaluated: 2023-09-11. Review status: criteria provided, single submitter. Criteria: Invitae Variant Classification Sherloc (09022015). Collection method: clinical testing. Allele origin: germline.
Comment: This sequence change replaces leucine, which is neutral and non-polar, with valine, which is neutral and non-polar, at codon 337 of the FANCC protein (p.Leu337Val). This variant is present in population databases (rs587779899, gnomAD 0.007%). This variant has not been reported in the literature in individuals affected with FANCC-related conditions. ClinVar contains an entry for this variant (Variation ID: 2172589). Advanced modeling of protein sequence and biophysical properties (such as structural, functional, and spatial information, amino acid conservation, physicochemical variation, residue mobility, and thermodynamic stability) has been performed at Invitae for this missense variant, however the output from this modeling did not meet the statistical confidence thresholds required to predict the impact of this variant on FANCC protein function. In summary, the available evidence is currently insufficient to determine the role of this variant in disease. Therefore, it has been classified as a Variant of Uncertain Significance.

NM_000136.3(FANCC):c.1009C>G (p.Leu337Val)

Genes: FANCC (FA complementation group C; minus strand), AOPEP (aminopeptidase O (putative); plus strand). Cytogenetic location: 9q22.32.
Variant type: single nucleotide variant.
Coding change: c.1009C>G on transcript NM_000136.3 (MANE Select); coding-DNA position 1009, C replaced by G.
Protein change: p.Leu337Val; replaces leucine 337 with valine.
Molecular consequence: missense variant.
Genome position (GRCh38, 1-based): chr9:95,117,378, G>C on the plus strand (C>G on the coding strand, the complement: FANCC is on the minus strand). VCF-style: chr9-95117378-G-C. GRCh37 (hg19) VCF-style: chr9-97879660-G-C.
Other names: c.1009C>G, p.Leu337Val (NM_001243743.2, NM_001243744.2); short protein forms L337V.
Identifiers: ClinVar variation 2172589 (VCV002172589.5), dbSNP rs587779899, ClinGen allele CA5137491.
Genomic context (GRCh38, chr9:95,117,378, plus strand): 5'-GAGGGTCTTGCAGCAGCACCATGGCAAGAGATGGAGAAGTGTAAGGAAAGTAGGTCTTGA[G>C]TGCAAACCGCAGCTGCCACAGGATGGAAAATCCAAAGAGCATGAACATTAAGATTGAAAC-3'
Protein context (NP_000127.2, residues 327-347): EKASKQLRFA[Leu337Val]KTYFPYTSPS